The following is an entry in ClinVar:

ClinVar aggregate classification (germline): Uncertain significance. Review status: criteria provided, multiple submitters, no conflicts (2 of 4 stars). 2 submissions from 2 submitters: Uncertain significance (2). Last evaluated 2025-05-01.

gnomAD v4.1: 29 of 1,613,928 alleles (0.0018%); highest among the groups gnomAD compares: Non-Finnish European, 0.0024%; no homozygotes.

Submissions (2):

CeGaT Center for Human Genetics Tuebingen
Classification: Uncertain significance. Last evaluated: 2025-05-01. Review status: criteria provided, single submitter. Criteria: CeGaT Center For Human Genetics Tuebingen Variant Classification Criteria Version 2. Collection method: clinical testing. Allele origin: germline. Affected: yes. Observed: 1 variant allele.
Comment: VIPAS39: PM2

Mayo Clinic Laboratories, Mayo Clinic
Classification: Uncertain significance. Last evaluated: 2024-04-23. Review status: criteria provided, single submitter. Criteria: ACMG Guidelines, 2015. Collection method: clinical testing. Allele origin: germline. Observed: 1 variant allele.
Comment: BP4, PM1_supporting, PM2_moderate

NM_001193315.2(VIPAS39):c.809G>A (p.Arg270Gln)

Gene: VIPAS39 (VPS33B interacting protein, apical-basolateral polarity regulator, spe-39 homolog; minus strand). Cytogenetic location: 14q24.3.
Variant type: single nucleotide variant.
Coding change: c.809G>A on transcript NM_001193315.2 (MANE Select); coding-DNA position 809, G replaced by A.
Protein change: p.Arg270Gln; replaces arginine 270 with glutamine.
Molecular consequence: missense variant. On other transcripts: non-coding transcript variant (1), intron variant (2).
Genome position (GRCh38, 1-based): chr14:77,437,835, C>T on the plus strand (G>A on the coding strand, the complement: VIPAS39 is on the minus strand). VCF-style: chr14-77437835-C-T. GRCh37 (hg19) VCF-style: chr14-77904178-C-T.
Other names: p.Arg270Gln; c.809G>A, p.Arg270Gln (NM_001193314.2, NM_001193317.2, NM_001400326.1 and 6 more transcripts); c.662G>A, p.Arg221Gln (NM_001193316.2, NM_001400324.1, NM_001400325.1); c.776G>A, p.Arg259Gln (NM_001400327.1); c.716G>A, p.Arg239Gln (NM_001400333.1, NM_001400334.1); c.569G>A, p.Arg190Gln (NM_001400337.1); c.735-1916G>A (NM_001400338.1); c.762+3231G>A (NM_001400339.1); short protein forms R190Q, R221Q, R239Q, R259Q, R270Q.
Identifiers: ClinVar variation 3380224 (VCV003380224.11).